The following is an entry in ClinVar:

NM_000553.6(WRN):c.3822G>C (p.Lys1274Asn)

Gene: WRN (WRN RecQ like helicase; plus strand). Cytogenetic location: 8p12.
Variant type: single nucleotide variant.
Coding change: c.3822G>C on transcript NM_000553.6 (MANE Select); coding-DNA position 3822, G replaced by C.
Protein change: p.Lys1274Asn; replaces lysine 1274 with asparagine.
Molecular consequence: missense variant.
Genome position (GRCh38, 1-based): chr8:31,157,370, G>C. VCF-style: chr8-31157370-G-C. GRCh37 (hg19) VCF-style: chr8-31014886-G-C.
Other names: short protein forms K1274N.
Identifiers: ClinVar variation 954181 (VCV000954181.6), dbSNP rs1803425444, ClinGen allele CA370929275.
Genomic context (GRCh38, chr8:31,157,370, plus strand): 5'-CCATGACTGGAGTGGACACTTTTACAACTCACTGGGTTCTTTGCTGATCTTTCTCTAGAA[G>C]AGCATAGCTGAGAGCAGGATTCTGCCTCTCATGACAATTGGCATGCACTTATCCCAAGCG-3'
Protein context (NP_000544.2, residues 1264-1284): SLFQEKKMPL[Lys1274Asn]SIAESRILPL

ClinVar aggregate classification (germline): Uncertain significance (1 of 4 stars; one submission).

Conditions:
Werner syndrome (WRN). Identifiers: Orphanet 902, MedGen C0043119, MONDO:0010196, OMIM 277700.

Submission:

Labcorp Genetics (formerly Invitae), Labcorp
Classification: Uncertain significance for Werner syndrome. Last evaluated: 2022-09-22. Review status: criteria provided, single submitter. Criteria: Invitae Variant Classification Sherloc (09022015). Collection method: clinical testing. Allele origin: germline.
Comment: In summary, the available evidence is currently insufficient to determine the role of this variant in disease. Therefore, it has been classified as a Variant of Uncertain Significance. Algorithms developed to predict the effect of sequence changes on RNA splicing suggest that this variant may disrupt the consensus splice site. Algorithms developed to predict the effect of missense changes on protein structure and function output the following: SIFT: "Not Available"; PolyPhen-2: "Benign"; Align-GVGD: "Not Available". The asparagine amino acid residue is found in multiple mammalian species, which suggests that this missense change does not adversely affect protein function. ClinVar contains an entry for this variant (Variation ID: 954181). This variant has not been reported in the literature in individuals affected with WRN-related conditions. This variant is not present in population databases (gnomAD no frequency). This sequence change replaces lysine, which is basic and polar, with asparagine, which is neutral and polar, at codon 1274 of the WRN protein (p.Lys1274Asn).